The following is an entry in ClinVar:

ClinVar aggregate classification (germline): Uncertain significance (1 of 4 stars; one submission).

Submission:

Labcorp Genetics (formerly Invitae), Labcorp
Classification: Uncertain significance. Last evaluated: 2025-01-29. Review status: criteria provided, single submitter. Criteria: Invitae Variant Classification Sherloc (09022015). Collection method: clinical testing. Allele origin: germline.
Comment: This sequence change replaces leucine, which is neutral and non-polar, with serine, which is neutral and polar, at codon 1383 of the ABCC6 protein (p.Leu1383Ser). This variant is not present in population databases (gnomAD no frequency). This variant has not been reported in the literature in individuals affected with ABCC6-related conditions. Invitae Evidence Modeling of protein sequence and biophysical properties (such as structural, functional, and spatial information, amino acid conservation, physicochemical variation, residue mobility, and thermodynamic stability) indicates that this missense variant is not expected to disrupt ABCC6 protein function with a negative predictive value of 95%. In summary, the available evidence is currently insufficient to determine the role of this variant in disease. Therefore, it has been classified as a Variant of Uncertain Significance.

NM_001171.6(ABCC6):c.4148T>C (p.Leu1383Ser)

Gene: ABCC6 (ATP binding cassette subfamily C member 6; minus strand). Cytogenetic location: 16p13.11.
Variant type: single nucleotide variant.
Coding change: c.4148T>C on transcript NM_001171.6 (MANE Select); coding-DNA position 4148, T replaced by C.
Protein change: p.Leu1383Ser; replaces leucine 1383 with serine.
Molecular consequence: missense variant. On other transcripts: non-coding transcript variant (1).
Genome position (GRCh38, 1-based): chr16:16,154,688, A>G on the plus strand (T>C on the coding strand, the complement: ABCC6 is on the minus strand). VCF-style: chr16-16154688-A-G. GRCh37 (hg19) VCF-style: chr16-16248545-A-G.
Other names: c.3806T>C, p.Leu1269Ser (NM_001351800.1); short protein forms L1269S, L1383S.
Identifiers: ClinVar variation 3676021 (VCV003676021.2).